The following is an entry in ClinVar:

NM_001034850.2(RETREG1):c.-52_-41delGCGCGCCCGCGC

Genes: RETREG1 (reticulophagy regulator 1; minus strand), RETREG1-AS1 (RETREG1 antisense RNA 1; plus strand), LOC129993734 (ATAC-STARR-seq lymphoblastoid silent region 15947; plus strand). Cytogenetic location: 5p15.1.
Variant type: Deletion.
Coding change: c.-52_-41delGCGCGCCCGCGC on transcript NM_001034850.2; 52 bases upstream of the start codon through 41 bases upstream of the start codon, GCGCGCCCGCGC deleted.
Genome position: GRCh38 VCF-style: chr5-16617002-CCGGGCGCGCGCG-C. GRCh37 (hg19) VCF-style: chr5-16617111-CCGGGCGCGCGCG-C.
Other names: c.-43_-32delCGCGCGCGCCCG (NM_001034850.2).
Identifiers: ClinVar variation 419913 (VCV000419913.3), dbSNP rs758624108, ClinGen allele CA3210557.

ClinVar aggregate classification (germline): Likely benign (1 of 4 stars; one submission).

Submission:

GeneDx
Classification: Likely benign. Last evaluated: 2015-11-13. Review status: criteria provided, single submitter. Criteria: GeneDx Variant Classification (06012015). Collection method: clinical testing. Allele origin: germline. Affected: yes.
Comment: This variant is considered likely benign or benign based on one or more of the following criteria: it is a conservative change, it occurs at a poorly conserved position in the protein, it is predicted to be benign by multiple in silico algorithms, and/or has population frequency not consistent with disease.